The following is an entry in ClinVar:

ClinVar aggregate classification (germline): Likely benign. Review status: criteria provided, multiple submitters, no conflicts (2 of 4 stars). 2 submissions from 2 submitters: Likely benign (2). Last evaluated 2018-06-14.

Allele frequency attached by ClinVar (database versions not stated): 1000 Genomes Project 30x 0.01140; 1000 Genomes Project 0.01158; TOPMed 0.01688; gnomAD 0.01695 and 0.01784; ESP Exome Variant Server 0.01791; gnomAD exomes 0.01811; ExAC 0.01824.
gnomAD v4.1: 33,420 of 1,585,712 alleles (2.1%); highest among the groups gnomAD compares: Non-Finnish European, 2.3%; 432 homozygotes.

Submissions (2):

GeneDx
Classification: Likely benign. Last evaluated: 2018-06-14. Review status: criteria provided, single submitter. Criteria: GeneDx Variant Classification (06012015). Collection method: clinical testing. Allele origin: germline. Affected: yes.
Comment: This variant is considered likely benign or benign based on one or more of the following criteria: it is a conservative change, it occurs at a poorly conserved position in the protein, it is predicted to be benign by multiple in silico algorithms, and/or has population frequency not consistent with disease.

Breakthrough Genomics
Classification: Likely benign. Review status: criteria provided, single submitter. Criteria: ACMG Guidelines, 2015. Collection method: not provided. Allele origin: germline. Inheritance: Autosomal dominant inheritance. Affected: yes.

NM_000393.5(COL5A2):c.2715+42C>A

Gene: COL5A2 (collagen type V alpha 2 chain; minus strand). Cytogenetic location: 2q32.2.
Variant type: single nucleotide variant.
Coding change: c.2715+42C>A on transcript NM_000393.5 (MANE Select); 42 bases into the intron after coding-DNA position 2715, C replaced by A.
Molecular consequence: intron variant.
Genome position (GRCh38, 1-based): chr2:189,052,707, G>T on the plus strand (C>A on the coding strand, the complement: COL5A2 is on the minus strand). VCF-style: chr2-189052707-G-T. GRCh37 (hg19) VCF-style: chr2-189917433-G-T.
Identifiers: ClinVar variation 673987 (VCV000673987.2), dbSNP rs73978809, ClinGen allele CA2022218.
Genomic context (GRCh38, chr2:189,052,707, plus strand): 5'-TGTTATTTCAGTCTCAGATGAAAATTATCTTTTACATGACCAGGAAGCACTAGGTAACTA[G>T]AATTAGCTGTGCATACTTTGCAGAGCATCAAATAAACTTACAGGCGGACCTTGGGTTCCT-3'